The following is an entry in ClinVar:

NM_002381.5(MATN3):c.437T>C (p.Leu146Pro)

Gene: MATN3 (matrilin 3; minus strand). Cytogenetic location: 2p24.1.
Variant type: single nucleotide variant.
Coding change: c.437T>C on transcript NM_002381.5 (MANE Select); coding-DNA position 437, T replaced by C.
Protein change: p.Leu146Pro; replaces leucine 146 with proline.
Molecular consequence: missense variant.
Genome position (GRCh38, 1-based): chr2:20,006,097, A>G on the plus strand (T>C on the coding strand, the complement: MATN3 is on the minus strand). VCF-style: chr2-20006097-A-G. GRCh37 (hg19) VCF-style: chr2-20205858-A-G.
Other names: short protein forms L146P.
Identifiers: ClinVar variation 1062861 (VCV001062861.9), dbSNP rs2103484073, ClinGen allele CA345951090.

ClinVar aggregate classification (germline): Uncertain significance (1 of 4 stars; one submission).

Submission:

Labcorp Genetics (formerly Invitae), Labcorp
Classification: Uncertain significance. Last evaluated: 2020-10-24. Review status: criteria provided, single submitter. Criteria: Invitae Variant Classification Sherloc (09022015). Collection method: clinical testing. Allele origin: germline.
Comment: In summary, the available evidence is currently insufficient to determine the role of this variant in disease. Therefore, it has been classified as a Variant of Uncertain Significance. Algorithms developed to predict the effect of missense changes on protein structure and function (SIFT, PolyPhen-2, Align-GVGD) all suggest that this variant is likely to be disruptive, but these predictions have not been confirmed by published functional studies and their clinical significance is uncertain. This variant has not been reported in the literature in individuals with MATN3-related conditions. This variant is not present in population databases (ExAC no frequency). This sequence change replaces leucine with proline at codon 146 of the MATN3 protein (p.Leu146Pro). The leucine residue is moderately conserved and there is a moderate physicochemical difference between leucine and proline.